The following is an entry in ClinVar:

NC_000022.10:g.(?_32150908)_(32211218_?)del

Gene: DEPDC5 (DEP domain containing 5, GATOR1 subcomplex subunit; plus strand). Cytogenetic location: 22q12.2-12.3.
Variant type: Deletion.
Identifiers: ClinVar variation 1409701 (VCV001409701.4).

ClinVar aggregate classification (germline): Pathogenic (1 of 4 stars; one submission).

Conditions:
Familial focal epilepsy with variable foci (FPEVF). Identifiers: Orphanet 98820, MedGen C1858477, MONDO:0020310.

Submission:

Labcorp Genetics (formerly Invitae), Labcorp
Classification: Pathogenic for Familial focal epilepsy with variable foci. Last evaluated: 2021-05-03. Review status: criteria provided, single submitter. Criteria: Invitae Variant Classification Sherloc (09022015). Collection method: clinical testing. Allele origin: germline.
Comment: For these reasons, this variant has been classified as Pathogenic. Loss-of-function variants in DEPDC5 are known to be pathogenic (PMID: 23542697, 23542701). This variant has not been reported in the literature in individuals with DEPDC5-related conditions. This variant is a gross deletion of the genomic region encompassing exons 2-21 of the DEPDC5 gene, which includes the initiator codon. The 5' end of this event is unknown as it extends beyond the assayed region for this gene and therefore may encompass additional genes. The 3' boundary is likely confined to intron 21 of the DEPDC5 gene. This is expected to result in an absent or disrupted protein product.

Literature cited by the submitters: PubMed 23542697; PubMed 23542701.